The following is an entry in ClinVar:

ClinVar aggregate classification (germline): Likely benign. Review status: criteria provided, multiple submitters, no conflicts (2 of 4 stars). 2 submissions from 2 submitters: Likely benign (2). Last evaluated 2022-05-27.

Conditions:
FMN2-related disorder. Also called: FMN2-related condition.

Allele frequency attached by ClinVar (database versions not stated): TOPMed 0.00027; gnomAD 0.00029; ExAC 0.00059; 1000 Genomes Project 0.00260; 1000 Genomes Project 30x 0.00344.
gnomAD v4.1: 304 of 1,612,284 alleles (0.019%); highest among the groups gnomAD compares: East Asian, 0.61%; 3 homozygotes.

Submissions (2):

Blueprint Genetics
Classification: Likely benign. Last evaluated: 2022-05-27. Review status: criteria provided, single submitter. Criteria: ACMG Guidelines, 2015. Collection method: clinical testing. Allele origin: germline.

PreventionGenetics, part of Exact Sciences
Classification: Likely benign for FMN2-related condition. Last evaluated: 2021-02-15. Review status: criteria provided, single submitter. Criteria: ACMG Guidelines, 2015. Collection method: clinical testing. Allele origin: germline.
Comment: This variant is classified as likely benign based on ACMG/AMP sequence variant interpretation guidelines (Richards et al. 2015 PMID: 25741868, with internal and published modifications).

NM_020066.5(FMN2):c.2736C>T (p.Pro912=)

Gene: FMN2 (formin 2; plus strand). Cytogenetic location: 1q43.
Variant type: single nucleotide variant.
Coding change: c.2736C>T on transcript NM_020066.5 (MANE Select); coding-DNA position 2736, C replaced by T.
Protein change: p.Pro912=; no amino-acid change (proline 912 retained).
Molecular consequence: synonymous variant. On other transcripts: intron variant (1).
Genome position (GRCh38, 1-based): chr1:240,207,548, C>T. VCF-style: chr1-240207548-C-T. GRCh37 (hg19) VCF-style: chr1-240370848-C-T.
Other names: c.2748C>T, p.Pro916= (NM_001305424.2); c.1986+19286C>T (NM_001348094.2).
Identifiers: ClinVar variation 3034861 (VCV003034861.2), dbSNP rs72475042, ClinGen allele CA1476702.